The following is an entry in ClinVar:

ClinVar aggregate classification (germline): Uncertain significance (1 of 4 stars; one submission).

Allele frequency attached by ClinVar (database versions not stated): TOPMed 0.00001.

Submission:

Ambry Genetics
Classification: Uncertain significance. Last evaluated: 2021-11-21. Review status: criteria provided, single submitter. Criteria: Ambry Variant Classification Scheme 2023. Collection method: clinical testing. Allele origin: germline.
Comment: The p.L977R variant (also known as c.2930T>G), located in coding exon 23 of the BUB1 gene, results from a T to G substitution at nucleotide position 2930. The leucine at codon 977 is replaced by arginine, an amino acid with dissimilar properties. This amino acid position is conserved. In addition, this alteration is predicted to be deleterious by in silico analysis. Since supporting evidence is limited at this time, the clinical significance of this alteration remains unclear.

NM_004336.5(BUB1):c.2930T>G (p.Leu977Arg)

Gene: BUB1 (BUB1 mitotic checkpoint serine/threonine kinase; minus strand). Cytogenetic location: 2q13.
Variant type: single nucleotide variant.
Coding change: c.2930T>G on transcript NM_004336.5 (MANE Select); coding-DNA position 2930, T replaced by G.
Protein change: p.Leu977Arg; replaces leucine 977 with arginine.
Molecular consequence: missense variant.
Genome position (GRCh38, 1-based): chr2:110,641,059, A>C on the plus strand (T>G on the coding strand, the complement: BUB1 is on the minus strand). VCF-style: chr2-110641059-A-C. GRCh37 (hg19) VCF-style: chr2-111398636-A-C.
Other names: c.2870T>G, p.Leu957Arg (NM_001278616.2); c.2759T>G, p.Leu920Arg (NM_001278617.2); short protein forms L957R, L977R, L920R.
Identifiers: ClinVar variation 1797818 (VCV001797818.2), dbSNP rs1188234781, ClinGen allele CA348088978.